The following is an entry in ClinVar:

NM_153033.5(KCTD7):c.46G>T (p.Gly16Cys)

Genes: KCTD7 (potassium channel tetramerization domain containing 7; plus strand), LOC129998533 (ATAC-STARR-seq lymphoblastoid silent region 18210; plus strand). Cytogenetic location: 7q11.21.
Variant type: single nucleotide variant.
Coding change: c.46G>T on transcript NM_153033.5 (MANE Select); coding-DNA position 46, G replaced by T.
Protein change: p.Gly16Cys; replaces glycine 16 with cysteine.
Molecular consequence: missense variant.
Genome position (GRCh38, 1-based): chr7:66,629,110, G>T. VCF-style: chr7-66629110-G-T. GRCh37 (hg19) VCF-style: chr7-66094097-G-T.
Other names: c.46G>T, p.Gly16Cys (NM_001167961.2); short protein forms G16C.
Identifiers: ClinVar variation 1002347 (VCV001002347.10), dbSNP rs1450028260, ClinGen allele CA367695220.

ClinVar aggregate classification (germline): Uncertain significance (1 of 4 stars; one submission).

Conditions:
Progressive myoclonic epilepsy type 3. Also called: EPILEPSY, PROGRESSIVE MYOCLONIC, 3, WITHOUT INTRACELLULAR INCLUSIONS; EPILEPSY, PROGRESSIVE MYOCLONIC, 3, WITH OR WITHOUT INTRACELLULAR INCLUSIONS; CEROID LIPOFUSCINOSIS, NEURONAL, 14; KCTD7-Related Progressive Myoclonic Epilepsy. Identifiers: Orphanet 263516, MedGen C2673257, MONDO:0012721, OMIM 611726.

gnomAD v4.1: 3 of 1,542,878 alleles (0.00019%); highest among the groups gnomAD compares: Admixed American, 0.0059%; no homozygotes.

Submission:

Labcorp Genetics (formerly Invitae), Labcorp
Classification: Uncertain significance for Progressive myoclonic epilepsy type 3. Last evaluated: 2023-11-03. Review status: criteria provided, single submitter. Criteria: Invitae Variant Classification Sherloc (09022015). Collection method: clinical testing. Allele origin: germline.
Comment: This sequence change replaces glycine, which is neutral and non-polar, with cysteine, which is neutral and slightly polar, at codon 16 of the KCTD7 protein (p.Gly16Cys). The frequency data for this variant in the population databases is considered unreliable, as metrics indicate poor data quality at this position in the gnomAD database. This variant has not been reported in the literature in individuals affected with KCTD7-related conditions. ClinVar contains an entry for this variant (Variation ID: 1002347). An algorithm developed to predict the effect of missense changes on protein structure and function (PolyPhen-2) suggests that this variant¬†is likely to be tolerated. In summary, the available evidence is currently insufficient to determine the role of this variant in disease. Therefore, it has been classified as a Variant of Uncertain Significance.